The following is an entry in ClinVar:

NM_080916.3(DGUOK):c.*119C>T

Genes: DGUOK-AS1 (DGUOK antisense RNA 1; minus strand), DGUOK (deoxyguanosine kinase; plus strand). Cytogenetic location: 2p13.1.
Variant type: single nucleotide variant.
Coding change: c.*119C>T on transcript NM_080916.3 (MANE Select); 119 bases downstream of the stop codon, C replaced by T.
Molecular consequence: 3 prime UTR variant. On other transcripts: non-coding transcript variant (6).
Genome position (GRCh38, 1-based): chr2:73,958,855, C>T. VCF-style: chr2-73958855-C-T. GRCh37 (hg19) VCF-style: chr2-74185982-C-T.
Other names: c.*119C>T (NM_001318859.2, NM_001318860.2, NM_001318861.2 and 3 more transcripts).
Identifiers: ClinVar variation 897205 (VCV000897205.4), dbSNP rs576927038, ClinGen allele CA50411043.

ClinVar aggregate classification (germline): Benign (1 of 4 stars; one submission).

Conditions:
Mitochondrial DNA depletion syndrome 3 (hepatocerebral type). Also called: Mitochondrial DNA depletion syndrome, hepatocerebral form due to DGUOK deficiency; MITOCHONDRIAL DNA DEPLETION SYNDROME 3; Deoxyguanosine Kinase Deficiency. Identifiers: Orphanet 279934, MedGen CN074093, MONDO:0009636, OMIM 251880.

Allele frequency attached by ClinVar (database versions not stated): gnomAD 0.00002 and 0.00060; TOPMed 0.00011; 1000 Genomes Project 0.00439; 1000 Genomes Project 30x 0.00453.
gnomAD v4.1: 1,479 of 825,718 alleles (0.18%); highest among the groups gnomAD compares: South Asian, 2%; 38 homozygotes.

Submission:

Illumina Laboratory Services, Illumina
Classification: Benign for Mitochondrial DNA depletion syndrome 3 (hepatocerebral type). Last evaluated: 2018-01-13. Review status: criteria provided, single submitter. Criteria: ICSL Variant Classification Criteria 13 December 2019. Collection method: clinical testing. Allele origin: germline.
Comment: This variant was observed in the ICSL laboratory as part of a predisposition screen in an ostensibly healthy population. It had not been previously curated by ICSL or reported in the Human Gene Mutation Database (HGMD: prior to June 1st, 2018), and was therefore a candidate for classification through an automated scoring system. Utilizing variant allele frequency, disease prevalence and penetrance estimates, and inheritance mode, an automated score was calculated to assess if this variant is too frequent to cause the disease. Based on the score and internal cut-off values, a variant classified as benign is not then subjected to further curation. The score for this variant resulted in a classification of benign for this disease.